The following is an entry in ClinVar:

NM_014806.5(RUSC2):c.4259T>G (p.Val1420Gly)

Gene: RUSC2 (RUN and SH3 domain containing 2; plus strand). Cytogenetic location: 9p13.3.
Variant type: single nucleotide variant.
Coding change: c.4259T>G on transcript NM_014806.5 (MANE Select); coding-DNA position 4259, T replaced by G.
Protein change: p.Val1420Gly; replaces valine 1420 with glycine.
Molecular consequence: missense variant. On other transcripts: non-coding transcript variant (1).
Genome position (GRCh38, 1-based): chr9:35,561,007, T>G. VCF-style: chr9-35561007-T-G. GRCh37 (hg19) VCF-style: chr9-35561004-T-G.
Other names: c.4259T>G, p.Val1420Gly (NM_001135999.2); c.1625T>G, p.Val542Gly (NM_001330740.2); short protein forms V1420G, V542G.
Identifiers: ClinVar variation 2121851 (VCV002121851.4), dbSNP rs2490419588, ClinGen allele CA373357114.

ClinVar aggregate classification (germline): Uncertain significance (1 of 4 stars; one submission).

Submission:

Labcorp Genetics (formerly Invitae), Labcorp
Classification: Uncertain significance. Last evaluated: 2022-04-05. Review status: criteria provided, single submitter. Criteria: Invitae Variant Classification Sherloc (09022015). Collection method: clinical testing. Allele origin: germline.
Comment: In summary, the available evidence is currently insufficient to determine the role of this variant in disease. Therefore, it has been classified as a Variant of Uncertain Significance. Algorithms developed to predict the effect of missense changes on protein structure and function are either unavailable or do not agree on the potential impact of this missense change (SIFT: "Deleterious"; PolyPhen-2: "Possibly Damaging"; Align-GVGD: "Class C0"). This variant has not been reported in the literature in individuals affected with RUSC2-related conditions. This variant is not present in population databases (gnomAD no frequency). This sequence change replaces valine, which is neutral and non-polar, with glycine, which is neutral and non-polar, at codon 1420 of the RUSC2 protein (p.Val1420Gly).